The following is an entry in ClinVar:

ClinVar aggregate classification (germline): Uncertain significance. Review status: criteria provided, multiple submitters, no conflicts (2 of 4 stars). 2 submissions from 2 submitters: Uncertain significance (2). Last evaluated 2025-05-19.

Conditions:
Inborn genetic diseases. Identifiers: MedGen C0950123, MeSH D030342.
Charcot-Marie-Tooth disease axonal type 2V. Also called: CHARCOT-MARIE-TOOTH NEUROPATHY, TYPE 2V; CHARCOT-MARIE-TOOTH DISEASE, AXONAL, AUTOSOMAL DOMINANT, TYPE 2V. Identifiers: Orphanet 447964, MedGen C5569050, MONDO:0014665, OMIM 616491.
Mucopolysaccharidosis, MPS-III-B (MPS3B). Also called: N-ACETYL-ALPHA-D-GLUCOSAMINIDASE DEFICIENCY; NAGLU DEFICIENCY; SANFILIPPO SYNDROME B; MPS III B; Mucopolysaccharidosis type IIIB (Sanfilippo B); MUCOPOLYSACCHARIDOSIS, TYPE IIIB. Identifiers: Orphanet 79270, MedGen C0086648, MONDO:0009656, OMIM 252920.

Allele frequency attached by ClinVar (database versions not stated): gnomAD 0.00001; TOPMed 0.00001.

Submissions (2):

Ambry Genetics
Classification: Uncertain significance for Inborn genetic diseases. Last evaluated: 2025-05-19. Review status: criteria provided, single submitter. Criteria: Ambry Variant Classification Scheme 2023. Collection method: clinical testing. Allele origin: germline.

Labcorp Genetics (formerly Invitae), Labcorp
Classification: Uncertain significance for Charcot-Marie-Tooth disease axonal type 2V; Mucopolysaccharidosis, MPS-III-B. Last evaluated: 2023-12-11. Review status: criteria provided, single submitter. Criteria: Invitae Variant Classification Sherloc (09022015). Collection method: clinical testing. Allele origin: germline.
Comment: This sequence change replaces valine, which is neutral and non-polar, with methionine, which is neutral and non-polar, at codon 609 of the NAGLU protein (p.Val609Met). This variant is not present in population databases (gnomAD no frequency). This variant has not been reported in the literature in individuals affected with NAGLU-related conditions. Advanced modeling of protein sequence and biophysical properties (such as structural, functional, and spatial information, amino acid conservation, physicochemical variation, residue mobility, and thermodynamic stability) has been performed at Invitae for this missense variant, however the output from this modeling did not meet the statistical confidence thresholds required to predict the impact of this variant on NAGLU protein function. In summary, the available evidence is currently insufficient to determine the role of this variant in disease. Therefore, it has been classified as a Variant of Uncertain Significance.

NM_000263.4(NAGLU):c.1825G>A (p.Val609Met)

Gene: NAGLU (N-acetyl-alpha-glucosaminidase; plus strand). Cytogenetic location: 17q21.2.
Variant type: single nucleotide variant.
Coding change: c.1825G>A on transcript NM_000263.4 (MANE Select); coding-DNA position 1825, G replaced by A.
Protein change: p.Val609Met; replaces valine 609 with methionine.
Molecular consequence: missense variant.
Genome position (GRCh38, 1-based): chr17:42,543,831, G>A. VCF-style: chr17-42543831-G-A. GRCh37 (hg19) VCF-style: chr17-40695849-G-A.
Other names: c.1825G>A (NM_000263.3); short protein forms V609M.
Identifiers: ClinVar variation 2926048 (VCV002926048.2), dbSNP rs1304820983, ClinGen allele CA399605007.